The following is an entry in ClinVar:

ClinVar aggregate classification (germline): Uncertain significance (1 of 4 stars; one submission).

Conditions:
Fanconi anemia (FA). Also called: Fanconi's anemia. Identifiers: Orphanet 84, MedGen C0015625, MeSH D005199, MONDO:0019391.

Allele frequency attached by ClinVar (database versions not stated): gnomAD exomes 0.00002; TOPMed 0.00002; ExAC 0.00003; gnomAD 0.00003; 1000 Genomes Project 30x 0.00016; 1000 Genomes Project 0.00020.
gnomAD v4.1: 17 of 1,614,092 alleles (0.0011%); highest among the groups gnomAD compares: East Asian, 0.013%; no homozygotes.

Submission:

Labcorp Genetics (formerly Invitae), Labcorp
Classification: Uncertain significance for Fanconi anemia. Last evaluated: 2025-01-31. Review status: criteria provided, single submitter. Criteria: Invitae Variant Classification Sherloc (09022015). Collection method: clinical testing. Allele origin: germline.
Comment: This sequence change replaces arginine, which is basic and polar, with histidine, which is basic and polar, at codon 1584 of the SLX4 protein (p.Arg1584His). This variant is present in population databases (rs199969428, gnomAD 0.02%). This variant has not been reported in the literature in individuals affected with SLX4-related conditions. ClinVar contains an entry for this variant (Variation ID: 859846). An algorithm developed to predict the effect of missense changes on protein structure and function (PolyPhen-2) suggests that this variant is likely to be disruptive. In summary, the available evidence is currently insufficient to determine the role of this variant in disease. Therefore, it has been classified as a Variant of Uncertain Significance.

NM_032444.4(SLX4):c.4751G>A (p.Arg1584His)

Gene: SLX4 (SLX4 structure-specific endonuclease subunit; minus strand). Cytogenetic location: 16p13.3.
Variant type: single nucleotide variant.
Coding change: c.4751G>A on transcript NM_032444.4 (MANE Select); coding-DNA position 4751, G replaced by A.
Protein change: p.Arg1584His; replaces arginine 1584 with histidine.
Molecular consequence: missense variant.
Genome position (GRCh38, 1-based): chr16:3,583,499, C>T on the plus strand (G>A on the coding strand, the complement: SLX4 is on the minus strand). VCF-style: chr16-3583499-C-T. GRCh37 (hg19) VCF-style: chr16-3633500-C-T.
Other names: short protein forms R1584H.
Identifiers: ClinVar variation 859846 (VCV000859846.7), dbSNP rs199969428, ClinGen allele CA7865512.